The following is an entry in ClinVar:

NM_000059.4(BRCA2):c.2971A>G (p.Asn991Asp)

Gene: BRCA2 (BRCA2 DNA repair associated; plus strand). Cytogenetic location: 13q13.1.
Variant type: single nucleotide variant.
Coding change: c.2971A>G on transcript NM_000059.4 (MANE Select); coding-DNA position 2971, A replaced by G.
Protein change: p.Asn991Asp; replaces asparagine 991 with aspartic acid.
Molecular consequence: missense variant.
Genome position (GRCh38, 1-based): chr13:32,337,326, A>G. VCF-style: chr13-32337326-A-G. GRCh37 (hg19) VCF-style: chr13-32911463-A-G.
Other names: p.N991D:AAC>GAC; 3199 A>G; NP_000050.3:p.Asn991Asp; 3199A>G; short protein forms N991D.
Identifiers: ClinVar variation 41545 (VCV000041545.104), dbSNP rs1799944, ClinGen allele CA016928.

ClinVar aggregate classification (germline): Benign. Review status: reviewed by expert panel (3 of 4 stars). 40 submissions from 38 submitters: Benign (1). 39 of the submissions do not count toward it. Last evaluated 2015-01-12.

Conditions:
Hereditary cancer-predisposing syndrome. Also called: Tumor predisposition; Neoplastic Syndromes, Hereditary; Hereditary Cancer Syndrome; Hereditary neoplastic syndrome. Identifiers: Orphanet 140162, MedGen C0027672, MeSH D009386, MONDO:0015356.
Fanconi anemia complementation group D1. Also called: BRCA2-Related Fanconi Anemia. Identifiers: Orphanet 319462, MedGen C1838457, MONDO:0011584, OMIM 605724.
Medulloblastoma (MDB). Also called: Medulloblastoma, somatic; MEDULLOBLASTOMA PREDISPOSITION SYNDROME. Identifiers: Orphanet 616, MedGen C0025149, MeSH D008527, MONDO:0007959, OMIM 155255, HP:0002885.
Breast-ovarian cancer, familial, susceptibility to, 2 (BROVCA2). Also called: BRCA2 Hereditary Breast and Ovarian Cancer. Identifiers: Orphanet 145, MedGen C2675520, MONDO:0012933, OMIM 612555. Disease mechanism: loss of function.
Wilms tumor 1 (WT1). Also called: Wilms tumor, somatic. Identifiers: Orphanet 654, MedGen CN033288, MONDO:0008679, OMIM 194070.
Pancreatic cancer, susceptibility to, 2. Identifiers: Orphanet 1333, MedGen C3150546, MONDO:0013235, OMIM 613347.
Glioma susceptibility 3 (GLM3). Also called: Glioblastoma 3. Identifiers: Orphanet 182067, Orphanet 360, MedGen C2751641, MONDO:0013093, OMIM 613029.
Prostate cancer. Also called: Malignant tumor of prostate. Identifiers: Orphanet 1331, MedGen C0376358, MONDO:0008315, HP:0012125.
Familial cancer of breast. Also called: Hereditary breast cancer; BREAST CANCER, FAMILIAL; hereditary breast carcinoma. Identifiers: Orphanet 227535, MedGen C0346153, MONDO:0016419, OMIM 114480. Disease mechanism: loss of function.
Hereditary breast ovarian cancer syndrome. Also called: Hereditary breast and ovarian cancer syndrome; Hereditary breast and ovarian cancer; Hereditary breast and ovarian cancer syndrome (HBOC); Hereditary breast and/or ovarian cancer syndrome; Breast and ovarian cancer; BRCA1- and BRCA2-Associated Hereditary Breast and Ovarian Cancer. Identifiers: Orphanet 145, MedGen C0677776, MeSH D061325, MONDO:0003582. Disease mechanism: loss of function.
Breast carcinoma. Also called: Carcinoma of breast. Identifiers: MedGen C0678222, MONDO:0004989, HP:0003002.

Allele frequency attached by ClinVar (database versions not stated): ESP Exome Variant Server 0.03725; gnomAD exomes 0.04258 and 0.05409; gnomAD 0.04357 and 0.04700; ExAC 0.05341; 1000 Genomes Project 0.08007; 1000 Genomes Project 30x 0.08042; TOPMed 0.04888.
gnomAD v4.1: 69,654 of 1,613,690 alleles (4.3%); highest among the groups gnomAD compares: East Asian, 12%; 2,250 homozygotes.

Submissions 1 to 19 of 40:

Evidence-based Network for the Interpretation of Germline Mutant Alleles (ENIGMA)
Classification: Benign for Breast-ovarian cancer, familial 2. Last evaluated: 2015-01-12. Review status: reviewed by expert panel. Criteria: ENIGMA BRCA1/2 Classification Criteria (2015). Collection method: curation. Allele origin: germline.
Comment: Class 1 not pathogenic based on frequency >1% in an outbred sampleset. Frequency 0.1049 (Asian), 0.03049 (African), 0.03694 (European), derived from 1000 genomes (2012-04-30).

Labcorp Genetics (formerly Invitae), Labcorp
Classification: Benign for Hereditary breast ovarian cancer syndrome. Last evaluated: 2026-02-04. Review status: criteria provided, single submitter. Criteria: Invitae Variant Classification Sherloc (09022015). Collection method: clinical testing. Allele origin: germline. Not counted in ClinVar's aggregate classification.

CeGaT Center for Human Genetics Tuebingen
Classification: Benign. Last evaluated: 2025-11-01. Review status: criteria provided, single submitter. Criteria: CeGaT Center For Human Genetics Tuebingen Variant Classification Criteria Version 2. Collection method: clinical testing. Allele origin: germline. Affected: yes. Observed: 1 variant allele. Not counted in ClinVar's aggregate classification.
Comment: BRCA2: BP4, BS1, BS2

ARUP Laboratories, Molecular Genetics and Genomics, ARUP Laboratories
Classification: Benign. Last evaluated: 2025-07-31. Review status: criteria provided, single submitter. Criteria: ARUP Molecular Germline Variant Investigation Process 2024. Collection method: clinical testing. Allele origin: germline. Not counted in ClinVar's aggregate classification.

Center for Genomic Medicine, Rigshospitalet, Copenhagen University Hospital
Classification: Benign. Last evaluated: 2025-03-04. Review status: criteria provided, single submitter. Criteria: ACMG Guidelines, 2015. Collection method: clinical testing. Allele origin: germline. Not counted in ClinVar's aggregate classification.

KCCC/NGS Laboratory, Kuwait Cancer Control Center
Classification: Benign for Familial cancer of breast. Last evaluated: 2025-02-01. Review status: criteria provided, single submitter. Criteria: ACMG Guidelines, 2015. Collection method: clinical testing. Allele origin: germline. Affected: no. Not counted in ClinVar's aggregate classification.

Blueprint Genetics
Classification: Benign. Last evaluated: 2024-11-27. Review status: criteria provided, single submitter. Criteria: ACMG Guidelines, 2015. Collection method: clinical testing. Allele origin: germline. Not counted in ClinVar's aggregate classification.

All of Us Research Program, National Institutes of Health
Classification: Benign for Breast-ovarian cancer, familial, susceptibility to, 2. Last evaluated: 2024-02-05. Review status: criteria provided, single submitter. Criteria: ACMG Guidelines, 2015. Collection method: clinical testing. Allele origin: germline. Inheritance: Autosomal dominant inheritance. Observed: 8,729 variant alleles, 8,502 heterozygotes, 227 homozygotes. Not counted in ClinVar's aggregate classification.
Comment: This study involves interpretation of variants in research participants for the purpose of population health screening. Participant phenotype was not available at the time of variant classification. Additional details can be found in publication PMID: 35346344, PMCID: PMC8962531

KCCC/NGS Laboratory, Kuwait Cancer Control Center
Classification: Benign for Breast-ovarian cancer, familial, susceptibility to, 2. Last evaluated: 2023-07-07. Review status: criteria provided, single submitter. Criteria: ACMG Guidelines, 2015. Collection method: clinical testing. Allele origin: germline. Affected: yes. Not counted in ClinVar's aggregate classification.

Fulgent Genetics
Classification: Benign for Familial cancer of breast; Medulloblastoma; Familial prostate cancer; Wilms tumor 1; Fanconi anemia complementation group D1; Breast-ovarian cancer, familial, susceptibility to, 2; Glioma susceptibility 3; Pancreatic cancer, susceptibility to, 2. Last evaluated: 2022-04-28. Review status: criteria provided, single submitter. Criteria: ACMG Guidelines, 2015. Collection method: clinical testing. Allele origin: unknown. Not counted in ClinVar's aggregate classification.

National Health Laboratory Service, Universitas Academic Hospital and University of the Free State
Classification: Benign for Hereditary breast ovarian cancer syndrome. Last evaluated: 2022-04-19. Review status: criteria provided, single submitter. Criteria: ACMG Guidelines, 2015. Collection method: clinical testing. Allele origin: germline. Affected: yes. Observed: 82 variant alleles. Not counted in ClinVar's aggregate classification.

Genetics Program, Instituto Nacional de Cancer
Classification: Benign for Hereditary breast ovarian cancer syndrome. Last evaluated: 2021-11-01. Review status: criteria provided, single submitter. Criteria: ACMG Guidelines, 2015. Collection method: research. Allele origin: germline. Affected: yes. Not counted in ClinVar's aggregate classification.

Center for Medical Genomics, Faculty of Medicine, Ramathibodi Hospital, Mahidol University
Classification: Benign for Breast carcinoma. Last evaluated: 2019-04-18. Review status: criteria provided, single submitter. Criteria: ACMG Guidelines, 2015. Collection method: clinical testing. Allele origin: germline. Affected: yes. Not counted in ClinVar's aggregate classification.

Illumina Laboratory Services, Illumina
Classification: Benign for Breast-ovarian cancer, familial, susceptibility to, 2. Last evaluated: 2018-01-13. Review status: criteria provided, single submitter. Criteria: ICSL Variant Classification Criteria 13 December 2019. Collection method: clinical testing. Allele origin: germline. Not counted in ClinVar's aggregate classification.
Comment: This variant was observed in the ICSL laboratory as part of a predisposition screen in an ostensibly healthy population. It had not been previously curated by ICSL or reported in the Human Gene Mutation Database (HGMD: prior to June 1st, 2018), and was therefore a candidate for classification through an automated scoring system. Utilizing variant allele frequency, disease prevalence and penetrance estimates, and inheritance mode, an automated score was calculated to assess if this variant is too frequent to cause the disease. Based on the score and internal cut-off values, a variant classified as benign is not then subjected to further curation. The score for this variant resulted in a classification of benign for this disease.

Illumina Laboratory Services, Illumina
Classification: Benign for Fanconi anemia complementation group D1. Last evaluated: 2018-01-13. Review status: criteria provided, single submitter. Criteria: ICSL Variant Classification Criteria 13 December 2019. Collection method: clinical testing. Allele origin: germline. Not counted in ClinVar's aggregate classification.
Comment: the same text as in the submission from Illumina Laboratory Services, Illumina above.

GeneKor MSA
Classification: Benign. Last evaluated: 2017-11-01. Review status: criteria provided, single submitter. Criteria: ACMG Guidelines, 2015. Collection method: clinical testing. Allele origin: germline. Affected: yes. Not counted in ClinVar's aggregate classification.

Cancer Genetics and Genomics Laboratory, British Columbia Cancer Agency
Classification: Benign. Last evaluated: 2017-04-18. Review status: criteria provided, single submitter. Criteria: ACMG Guidelines, 2015. Collection method: clinical testing. Allele origin: germline. Study: The Canadian Open Genetics Repository (COGR). Not counted in ClinVar's aggregate classification.

Baylor Genetics
Classification: Benign for Familial cancer of breast. Last evaluated: 2017-02-23. Review status: criteria provided, single submitter. Criteria: ACMG Guidelines, 2015. Collection method: clinical testing. Allele origin: germline. Inheritance: Autosomal dominant inheritance. Affected: no. Not counted in ClinVar's aggregate classification.

Center for Pediatric Genomic Medicine, Children's Mercy Hospital and Clinics
Classification: Benign. Last evaluated: 2016-07-22. Review status: criteria provided, single submitter. Criteria: ACMG Guidelines, 2015. Collection method: clinical testing. Allele origin: germline. Not counted in ClinVar's aggregate classification.